The following is an entry in ClinVar:

NM_002582.4(PARN):c.260C>T (p.Ser87Leu)

Gene: PARN (poly(A)-specific ribonuclease; minus strand). Cytogenetic location: 16p13.12.
Variant type: single nucleotide variant.
Coding change: c.260C>T on transcript NM_002582.4 (MANE Select); coding-DNA position 260, C replaced by T.
Protein change: p.Ser87Leu; replaces serine 87 with leucine.
Molecular consequence: missense variant. On other transcripts: intron variant (1).
Genome position (GRCh38, 1-based): chr16:14,627,173, G>A on the plus strand (C>T on the coding strand, the complement: PARN is on the minus strand). VCF-style: chr16-14627173-G-A. GRCh37 (hg19) VCF-style: chr16-14721030-G-A.
Other names: c.159-37C>T (NM_001242992.2); c.77C>T, p.Ser26Leu (NM_001134477.3); short protein forms S87L, S26L.
Identifiers: ClinVar variation 4783810 (VCV004783810.1).

ClinVar aggregate classification (germline): Uncertain significance (1 of 4 stars; one submission).

Conditions:
Pulmonary fibrosis and/or bone marrow failure, Telomere-related, 4. Also called: PULMONARY FIBROSIS AND/OR BONE MARROW FAILURE SYNDROME, TELOMERE-RELATED, 4. Identifiers: Orphanet 2032, MedGen C4225347, MONDO:0014612, OMIM 616371.
Dyskeratosis congenita, autosomal recessive 6 (DKCB6). Identifiers: MedGen C4225356, MONDO:0014600, OMIM 616353.

Submission:

Labcorp Genetics (formerly Invitae), Labcorp
Classification: Uncertain significance for Dyskeratosis congenita, autosomal recessive 6; Pulmonary fibrosis and/or bone marrow failure, Telomere-related, 4. Last evaluated: 2025-12-19. Review status: criteria provided, single submitter. Criteria: Invitae Variant Classification Sherloc (09022015). Collection method: clinical testing. Allele origin: germline.
Comment: This sequence change replaces serine, which is neutral and polar, with leucine, which is neutral and non-polar, at codon 87 of the PARN protein (p.Ser87Leu). This variant is not present in population databases (gnomAD no frequency). This missense change has been observed in individual(s) with clinical features of PARN-related conditions (PMID: 26482878). Invitae Evidence Modeling of protein sequence and biophysical properties (such as structural, functional, and spatial information, amino acid conservation, physicochemical variation, residue mobility, and thermodynamic stability) indicates that this missense variant is not expected to disrupt PARN protein function with a negative predictive value of 80%. In summary, the available evidence is currently insufficient to determine the role of this variant in disease. Therefore, it has been classified as a Variant of Uncertain Significance.

Literature cited by the submitters: PubMed 26482878.